The following is an entry in ClinVar:

NM_030777.4(SLC2A10):c.604C>G (p.Gln202Glu)

Gene: SLC2A10 (solute carrier family 2 member 10; plus strand). Cytogenetic location: 20q13.12.
Variant type: single nucleotide variant.
Coding change: c.604C>G on transcript NM_030777.4 (MANE Select); coding-DNA position 604, C replaced by G.
Protein change: p.Gln202Glu; replaces glutamine 202 with glutamic acid.
Molecular consequence: missense variant.
Genome position (GRCh38, 1-based): chr20:46,725,640, C>G. VCF-style: chr20-46725640-C-G. GRCh37 (hg19) VCF-style: chr20-45354279-C-G.
Other names: short protein forms Q202E.
Identifiers: ClinVar variation 1751264 (VCV001751264.2), dbSNP rs2515589041, ClinGen allele CA409267388.

ClinVar aggregate classification (germline): Uncertain significance (1 of 4 stars; one submission).

Conditions:
Familial thoracic aortic aneurysm and aortic dissection (TAAD). Also called: Thoracic aortic aneurysms and dissections. Identifiers: Orphanet 91387, MedGen C4707243, MONDO:0019625.

Submission:

Ambry Genetics
Classification: Uncertain significance for Familial thoracic aortic aneurysm and aortic dissection. Last evaluated: 2022-08-10. Review status: criteria provided, single submitter. Criteria: Ambry Variant Classification Scheme 2023. Collection method: clinical testing. Allele origin: germline.
Comment: The p.Q202E variant (also known as c.604C>G), located in coding exon 2 of the SLC2A10 gene, results from a C to G substitution at nucleotide position 604. The glutamine at codon 202 is replaced by glutamic acid, an amino acid with highly similar properties. This amino acid position is conserved. In addition, this alteration is predicted to be tolerated by in silico analysis. Since supporting evidence is limited at this time, the clinical significance of this alteration remains unclear.